The following is an entry in ClinVar:

NM_002693.3(POLG):c.2059A>G (p.Ile687Val)

Gene: POLG (DNA polymerase gamma, catalytic subunit; minus strand). Cytogenetic location: 15q26.1.
Variant type: single nucleotide variant.
Coding change: c.2059A>G on transcript NM_002693.3 (MANE Select); coding-DNA position 2059, A replaced by G.
Protein change: p.Ile687Val; replaces isoleucine 687 with valine.
Molecular consequence: missense variant.
Genome position (GRCh38, 1-based): chr15:89,324,118, T>C on the plus strand (A>G on the coding strand, the complement: POLG is on the minus strand). VCF-style: chr15-89324118-T-C. GRCh37 (hg19) VCF-style: chr15-89867349-T-C.
Other names: p.I687V:ATA>GTA; c.2059A>G, p.Ile687Val (NM_001126131.2); short protein forms I687V.
Identifiers: ClinVar variation 206508 (VCV000206508.8), dbSNP rs796052881, ClinGen allele CA316662.

ClinVar aggregate classification (germline): Uncertain significance. Review status: criteria provided, multiple submitters, no conflicts (2 of 4 stars). 4 submissions from 4 submitters: Uncertain significance (4). Last evaluated 2025-02-21.

Conditions:
POLG-related disorder. Also called: POLG-related condition; POLG-Related Disorders; POLG-Related Spectrum Disorders. Identifiers: MedGen C4763519.
Progressive external ophthalmoplegia with mitochondrial DNA deletions, autosomal dominant 1 (PEOA1). Also called: PROGRESSIVE EXTERNAL OPHTHALMOPLEGIA, AUTOSOMAL DOMINANT 1; Autosomal Dominant Progressive External Ophthalmoplegia (adPEO). Identifiers: MedGen C1834846, MONDO:0024528, OMIM 157640.
Progressive external ophthalmoplegia with mitochondrial DNA deletions, autosomal recessive 1 (PEOB1). Also called: Autosomal Recessive Progressive External Ophthalmoplegia (arPEO); Progressive external ophthalmoplegia, autosomal recessive 1. Identifiers: Orphanet 254886, MedGen C4225153, MONDO:0009783, OMIM 258450.
Progressive sclerosing poliodystrophy (MTDPS4A). Also called: ALPERS DIFFUSE DEGENERATION OF CEREBRAL GRAY MATTER WITH HEPATIC CIRRHOSIS; Alpers-Huttenlocher Syndrome; ALPERS PROGRESSIVE INFANTILE POLIODYSTROPHY; NEURONAL DEGENERATION OF CHILDHOOD WITH LIVER DISEASE, PROGRESSIVE; Mitochondrial DNA Depletion Syndrome 4A; Alpers-Huttenlocher Syndrome (AHS). Identifiers: Orphanet 726, MedGen C0205710, MONDO:0008758, OMIM 203700.
Mitochondrial DNA depletion syndrome 1. Also called: Mitochondrial Neurogastrointestinal Encephalopathy Disease; MITOCHONDRIAL NEUROGASTROINTESTINAL ENCEPHALOPATHY SYNDROME, TYMP-RELATED; MNGIE, TYMP-RELATED; POLIP SYNDROME; POLYNEUROPATHY, OPHTHALMOPLEGIA, LEUKOENCEPHALOPATHY, AND INTESTINAL PSEUDOOBSTRUCTION; Mitochondrial DNA Depletion Syndrome, MNGIE Form. Identifiers: Orphanet 298, MedGen C4551995, MONDO:0011283, OMIM 603041.
Sensory ataxic neuropathy, dysarthria, and ophthalmoparesis (SANDO). Also called: SENSORY ATAXIC NEUROPATHY WITH MITOCHONDRIAL DNA DELETIONS, AUTOSOMAL RECESSIVE; Epilepsy, progressive myoclonic, type 5; Sensory ataxic neuropathy-dysarthria-ophthalmoparesis syndrome; Ataxia Neuropathy Spectrum (ANS). Identifiers: Orphanet 70595, MedGen C1843851, MONDO:0011835, OMIM 607459.
Mitochondrial DNA depletion syndrome 4b. Also called: MNGIE, POLG-RELATED; Mitochondrial Neurogastrointestinal Encephalopathy Disease, POLG-Related. Identifiers: Orphanet 298, MedGen C3150914, MONDO:0013350, OMIM 613662.

Allele frequency attached by ClinVar (database versions not stated): gnomAD exomes below 0.00001; TOPMed 0.00001.
gnomAD v4.1: 6 of 1,614,062 alleles (0.00037%); highest among the groups gnomAD compares: African/African-American, 0.0013%; no homozygotes.

Submissions (4):

GeneDx
Classification: Uncertain significance. Last evaluated: 2025-02-21. Review status: criteria provided, single submitter. Criteria: GeneDx Variant Classification Process June 2021. Collection method: clinical testing. Allele origin: germline. Affected: yes.
Comment: Not observed at significant frequency in large population cohorts (gnomAD); In silico analysis indicates that this missense variant does not alter protein structure/function; Has not been previously published as pathogenic or benign to our knowledge

Labcorp Genetics (formerly Invitae), Labcorp
Classification: Uncertain significance for Progressive sclerosing poliodystrophy. Last evaluated: 2024-05-05. Review status: criteria provided, single submitter. Criteria: Invitae Variant Classification Sherloc (09022015). Collection method: clinical testing. Allele origin: germline.
Comment: This sequence change replaces isoleucine, which is neutral and non-polar, with valine, which is neutral and non-polar, at codon 687 of the POLG protein (p.Ile687Val). This variant is not present in population databases (gnomAD no frequency). This variant has not been reported in the literature in individuals affected with POLG-related conditions. ClinVar contains an entry for this variant (Variation ID: 206508). Advanced modeling of protein sequence and biophysical properties (such as structural, functional, and spatial information, amino acid conservation, physicochemical variation, residue mobility, and thermodynamic stability) performed at Invitae indicates that this missense variant is not expected to disrupt POLG protein function with a negative predictive value of 95%. In summary, the available evidence is currently insufficient to determine the role of this variant in disease. Therefore, it has been classified as a Variant of Uncertain Significance.

PreventionGenetics, part of Exact Sciences
Classification: Uncertain significance for POLG-related condition. Last evaluated: 2023-01-27. Review status: criteria provided, single submitter. Criteria: ACMG Guidelines, 2015. Collection method: clinical testing. Allele origin: germline.
Comment: The POLG c.2059A>G variant is predicted to result in the amino acid substitution p.Ile687Val. To our knowledge, this variant has not been reported in the literature or in a large population database, indicating this variant is rare. At this time, the clinical significance of this variant is uncertain due to the absence of conclusive functional and genetic evidence.

Fulgent Genetics
Classification: Uncertain significance for Progressive external ophthalmoplegia with mitochondrial DNA deletions, autosomal dominant 1; Progressive sclerosing poliodystrophy; Progressive external ophthalmoplegia with mitochondrial DNA deletions, autosomal recessive 1; Mitochondrial DNA depletion syndrome 1; Sensory ataxic neuropathy, dysarthria, and ophthalmoparesis; Mitochondrial DNA depletion syndrome 4b. Last evaluated: 2018-10-31. Review status: criteria provided, single submitter. Criteria: ACMG Guidelines, 2015. Collection method: clinical testing. Allele origin: unknown.